The following is an entry in ClinVar:

NC_000022.11:g.(?_28724967)_(28734725_?)del

Gene: CHEK2 (checkpoint kinase 2; minus strand). Cytogenetic location: 22q12.1.
Variant type: Deletion.
Identifiers: ClinVar variation 831992 (VCV000831992.9).

ClinVar aggregate classification (germline): Pathogenic (1 of 4 stars; one submission).

Conditions:
Familial cancer of breast. Also called: BREAST CANCER, FAMILIAL; Hereditary breast cancer; hereditary breast carcinoma. Identifiers: Orphanet 227535, MedGen C0346153, MONDO:0016419, OMIM 114480. Disease mechanism: loss of function.

Submission:

Labcorp Genetics (formerly Invitae), Labcorp
Classification: Pathogenic for Familial cancer of breast. Last evaluated: 2023-08-11. Review status: criteria provided, single submitter. Criteria: Invitae Variant Classification Sherloc (09022015). Collection method: clinical testing. Allele origin: germline.
Comment: This variant is a gross deletion of the genomic region encompassing exon(s) 2-4 of the CHEK2 gene, which includes the initiator codon. This deletion extends beyond the assayed region for this gene and therefore may encompass additional genes. It is expected to result in an absent or disrupted protein product. Loss-of-function variants in CHEK2 are known to be pathogenic (PMID: 21876083, 24713400). A similar copy number variant has been observed in individual(s) with CHEK2-related conditions (PMID: 24763289). For these reasons, this variant has been classified as Pathogenic.

Literature cited by the submitters: PubMed 21876083; PubMed 24713400; PubMed 24763289.